The following is an entry in ClinVar:

ClinVar aggregate classification (germline): Pathogenic. Review status: reviewed by expert panel (3 of 4 stars). 11 submissions from 11 submitters: Pathogenic (1). 10 of the submissions do not count toward it. Last evaluated 2017-12-15.

Conditions:
Inherited breast cancer and ovarian cancer.
Hereditary cancer-predisposing syndrome. Also called: Tumor predisposition; Hereditary Cancer Syndrome; Hereditary neoplastic syndrome; Neoplastic Syndromes, Hereditary. Identifiers: Orphanet 140162, MedGen C0027672, MeSH D009386, MONDO:0015356.
Hereditary breast ovarian cancer syndrome. Also called: Hereditary breast and ovarian cancer; Breast and ovarian cancer; BRCA1- and BRCA2-Associated Hereditary Breast and Ovarian Cancer; Hereditary breast and ovarian cancer syndrome; Hereditary breast and ovarian cancer syndrome (HBOC); Hereditary breast and/or ovarian cancer syndrome. Identifiers: Orphanet 145, MedGen C0677776, MeSH D061325, MONDO:0003582. Disease mechanism: loss of function.
Breast-ovarian cancer, familial, susceptibility to, 2 (BROVCA2). Also called: BRCA2 Hereditary Breast and Ovarian Cancer. Identifiers: Orphanet 145, MedGen C2675520, MONDO:0012933, OMIM 612555. Disease mechanism: loss of function.

Allele frequency attached by ClinVar (database versions not stated): gnomAD exomes below 0.00001.

Submissions (11):

Evidence-based Network for the Interpretation of Germline Mutant Alleles (ENIGMA)
Classification: Pathogenic for Breast-ovarian cancer, familial, susceptibility to, 2. Last evaluated: 2017-12-15. Review status: reviewed by expert panel. Criteria: ENIGMA BRCA1/2 Classification Criteria (2017-06-29). Collection method: curation. Allele origin: germline. Study: ENIGMA.
Comment: Variant allele predicted to encode a truncated non-functional protein.

Genetics Laboratory, Great Ormond Street Hospital NHS Foundation Trust, North Thames Genomic Laboratory Hub
Classification: Pathogenic for Inherited breast cancer and ovarian cancer. Last evaluated: 2025-10-20. Review status: criteria provided, single submitter. Criteria: CanVIG BRCA Gene Specific V1.22. Collection method: clinical testing. Allele origin: germline. Affected: yes. Not counted in ClinVar's aggregate classification.
Comment: PM2_supporting, PVS1_very-strong, PM5_strong

Labcorp Genetics (formerly Invitae), Labcorp
Classification: Pathogenic for Hereditary breast ovarian cancer syndrome. Last evaluated: 2025-03-16. Review status: criteria provided, single submitter. Criteria: Invitae Variant Classification Sherloc (09022015). Collection method: clinical testing. Allele origin: germline. Not counted in ClinVar's aggregate classification.
Comment: This sequence change creates a premature translational stop signal (p.Asp1337Ilefs*2) in the BRCA2 gene. It is expected to result in an absent or disrupted protein product. Loss-of-function variants in BRCA2 are known to be pathogenic (PMID: 20104584). This variant is not present in population databases (gnomAD no frequency). This variant has not been reported in the literature in individuals affected with BRCA2-related conditions. ClinVar contains an entry for this variant (Variation ID: 236860). For these reasons, this variant has been classified as Pathogenic.

GeneDx
Classification: Pathogenic. Last evaluated: 2024-03-27. Review status: criteria provided, single submitter. Criteria: GeneDx Variant Classification Process June 2021. Collection method: clinical testing. Allele origin: germline. Affected: yes. Not counted in ClinVar's aggregate classification.
Comment: Has not been previously published as pathogenic or benign to our knowledge; Not observed at significant frequency in large population cohorts (gnomAD); Frameshift variant predicted to result in protein truncation or nonsense mediated decay in a gene for which loss of function is a known mechanism of disease; Truncating variants in this gene are considered pathogenic by a well-established clinical consortium and/or database; Also known as 4235_4236insCATC; This variant is associated with the following publications: (PMID: 20104584, 8988179)

Ambry Genetics
Classification: Pathogenic for Hereditary cancer-predisposing syndrome. Last evaluated: 2023-03-01. Review status: criteria provided, single submitter. Criteria: Ambry Variant Classification Scheme 2023. Collection method: clinical testing. Allele origin: germline. Not counted in ClinVar's aggregate classification.
Comment: The c.4007_4008insCATC pathogenic mutation, located in coding exon 10 of the BRCA2 gene, results from an insertion of 4 nucleotides at position 4007, causing a translational frameshift with a predicted alternate stop codon (p.D1337Ifs*2). This alteration is expected to result in loss of function by premature protein truncation or nonsense-mediated mRNA decay. As such, this alteration is interpreted as a disease-causing mutation.

Women's Health and Genetics/Laboratory Corporation of America, LabCorp
Classification: Pathogenic for Hereditary breast ovarian cancer syndrome. Last evaluated: 2022-12-15. Review status: criteria provided, single submitter. Criteria: LabCorp Variant Classification Summary - May 2015. Collection method: clinical testing. Allele origin: germline. Not counted in ClinVar's aggregate classification.
Comment: Variant summary: BRCA2 c.4007_4008insCATC (p.Asp1337IlefsX2) results in a premature termination codon, predicted to cause a truncation of the encoded protein or absence of the protein due to nonsense mediated decay, which are commonly known mechanisms for disease. Truncations downstream of this position have been classified as pathogenic by our laboratory. The variant was absent in 230396 control chromosomes. To our knowledge, no occurrence of c.4007_4008insCATC in individuals affected with Hereditary Breast And Ovarian Cancer Syndrome and no experimental evidence demonstrating its impact on protein function have been reported. Multiple clinical diagnostic laboratories and an expert panel have submitted clinical-significance assessments for this variant to ClinVar after 2014 without evidence for independent evaluation. All submitters classified the variant as pathogenic. Based on the evidence outlined above, the variant was classified as pathogenic.

Color Diagnostics, LLC DBA Color Health
Classification: Pathogenic for Hereditary cancer-predisposing syndrome. Last evaluated: 2020-05-20. Review status: criteria provided, single submitter. Criteria: ACMG Guidelines, 2015. Collection method: clinical testing. Allele origin: germline. Not counted in ClinVar's aggregate classification.
Comment: This variant inserts 4 nucleotides in exon 11 of the BRCA2 gene, creating a frameshift and premature translation stop signal. This variant is expected to result in an absent or non-functional protein product. To our knowledge, this variant has not been reported in individuals affected with hereditary cancer in the literature. This variant has not been identified in the general population by the Genome Aggregation Database (gnomAD). Loss of BRCA2 function is a known mechanism of disease. Based on the available evidence, this variant is classified as Pathogenic.

Quest Diagnostics Nichols Institute San Juan Capistrano
Classification: Pathogenic. Last evaluated: 2017-05-12. Review status: criteria provided, single submitter. Criteria: Quest Diagnostics criteria. Collection method: clinical testing. Allele origin: germline. Not counted in ClinVar's aggregate classification.

BRCAlab, Lund University
Classification: Pathogenic for Breast-ovarian cancer, familial, susceptibility to, 2. Last evaluated: 2022-08-26. Review status: no assertion criteria provided. Collection method: clinical testing. Allele origin: germline. Affected: yes. Not counted in ClinVar's aggregate classification.

Counsyl
Classification: Pathogenic for Breast-ovarian cancer, familial, susceptibility to, 2. Last evaluated: 2017-01-10. Review status: no assertion criteria provided. Collection method: clinical testing. Allele origin: unknown. Not counted in ClinVar's aggregate classification.

Department of Pathology and Laboratory Medicine, Sinai Health System
Classification: Pathogenic. Review status: no assertion criteria provided. Collection method: clinical testing. Allele origin: unknown. Affected: yes. Study: The Canadian Open Genetics Repository (COGR). Not counted in ClinVar's aggregate classification.
Comment: The BRCA2 p.Asp1337IlefsX2 insertion variant was not identified in the literature, nor was it identified in the dbSNP, NHLBI Exome Sequencing Project (Exome Variant Server), Exome Aggregation Consortium (ExAC), HGMD, LOVD, COSMIC, ClinVar, GeneInsight VariantWire, BIC or UMD databases. The p.Asp1337IlefsX2 insertion variant is predicted to cause a frameshift, which alters the protein's amino acid sequence beginning at codon 1337 and leads to a premature stop codon at position 1338. This alteration is then predicted to result in a truncated or absent protein and loss of function. Loss of function variants of the BRCA2 gene are an established mechanism of disease in hereditary breast and ovarian cancer and is the type of variant expected to cause the disorder. In summary, based on the above information, this variant meets our laboratoryâ€šÃ„Ã´s criteria to be classified as pathogenic.

Literature cited by the submitters: PubMed 20104584 (cited by Labcorp Genetics (formerly Invitae), Labcorp); PubMed 8988179 (cited by Counsyl).

NM_000059.4(BRCA2):c.4007_4008insCATC (p.Asp1337fs)

Gene: BRCA2 (BRCA2 DNA repair associated; plus strand). Cytogenetic location: 13q13.1.
Variant type: Insertion.
Coding change: c.4007_4008insCATC on transcript NM_000059.4 (MANE Select); coding-DNA positions 4007 to 4008, CATC inserted.
Protein change: p.Asp1337fs; shifts the reading frame from aspartic acid 1337.
Molecular consequence: frameshift variant.
Genome position: GRCh38 VCF-style: chr13-32338362-T-TCATC. GRCh37 (hg19) VCF-style: chr13-32912499-T-TCATC.
Other names: short protein forms D1337fs.
Identifiers: ClinVar variation 236860 (VCV000236860.42), dbSNP rs878853577, ClinGen allele CA10583098.
Genomic context (GRCh38, chr13:32,338,362, plus strand): 5'-ATACTGAAAATGAAGATAACAAATATACTGCTGCCAGTAGAAATTCTCATAACTTAGAAT[T>TCATC]TGATGGCAGTGATTCAAGTAAAAATGATACTGTTTGTATTCATAAAGATGAAACGGACTT-3'